The following is an entry in ClinVar:

ClinVar aggregate classification (germline): Pathogenic. Review status: criteria provided, multiple submitters, no conflicts (2 of 4 stars). 2 submissions from 2 submitters: Pathogenic (2). Last evaluated 2025-09-26.

Conditions:
Osteogenesis imperfecta type I (OI1). Also called: Lobstein's Disease; Lobstein disease; Classic Non-deforming Osteogenesis Imperfecta with Blue Sclerae; OI, TYPE I; OSTEOGENESIS IMPERFECTA TARDA; OSTEOGENESIS IMPERFECTA WITH BLUE SCLERAE. Identifiers: Orphanet 216796, Orphanet 666, MedGen C0023931, MONDO:0008146, OMIM 166200. Disease mechanism: loss of function.

Submissions (2):

GeneDx
Classification: Pathogenic. Last evaluated: 2025-09-26. Review status: criteria provided, single submitter. Criteria: GeneDx Variant Classification Process June 2021. Collection method: clinical testing. Allele origin: germline. Affected: yes.
Comment: Frameshift variant predicted to result in protein truncation or nonsense mediated decay in a gene for which loss of function is a known mechanism of disease; Not observed at significant frequency in large population cohorts (gnomAD); Has not been previously published as pathogenic or benign to our knowledge

Labcorp Genetics (formerly Invitae), Labcorp
Classification: Pathogenic for Osteogenesis imperfecta type I. Last evaluated: 2023-04-09. Review status: criteria provided, single submitter. Criteria: Invitae Variant Classification Sherloc (09022015). Collection method: clinical testing. Allele origin: germline.
Comment: This variant is not present in population databases (gnomAD no frequency). For these reasons, this variant has been classified as Pathogenic. ClinVar contains an entry for this variant (Variation ID: 817949). This variant has not been reported in the literature in individuals affected with COL1A1-related conditions. This sequence change creates a premature translational stop signal (p.Ala931Cysfs*10) in the COL1A1 gene. It is expected to result in an absent or disrupted protein product. Loss-of-function variants in COL1A1 are known to be pathogenic (PMID: 7942841, 9295084, 9443882).

Literature cited by the submitters: PubMed 7942841 (cited by Labcorp Genetics (formerly Invitae), Labcorp); PubMed 9295084 (cited by Labcorp Genetics (formerly Invitae), Labcorp); PubMed 9443882 (cited by Labcorp Genetics (formerly Invitae), Labcorp).

NM_000088.4(COL1A1):c.2786dup (p.Ala931fs)

Gene: COL1A1 (collagen type I alpha 1 chain; minus strand). Cytogenetic location: 17q21.33.
Variant type: Duplication.
Coding change: c.2786dup on transcript NM_000088.4 (MANE Select); coding-DNA position 2786, one base duplicated (G; older notation c.2786dupG).
Protein change: p.Ala931fs; shifts the reading frame from alanine 931.
Molecular consequence: frameshift variant.
Genome position (GRCh38, 1-based): chr17:50,189,420, C duplicated on the plus strand (G on the coding strand, the reverse complement: COL1A1 is on the minus strand); the first of 2 consecutive C bases (chr17:50,189,420-50,189,421); duplicating either gives the same sequence. VCF-style (leftmost placement, unchanged base first): chr17-50189419-G-GC. GRCh37 (hg19) VCF-style: chr17-48266780-G-GC.
Other names: c.2786dupG (NM_000088.3); short protein forms A931fs.
Identifiers: ClinVar variation 817949 (VCV000817949.7), dbSNP rs1598289247, ClinGen allele CA915950603.